The following is an entry in ClinVar:

NM_032043.3(BRIP1):c.1610T>A (p.Leu537His)

Gene: BRIP1 (BRCA1 interacting DNA helicase 1; minus strand). Cytogenetic location: 17q23.2.
Variant type: single nucleotide variant.
Coding change: c.1610T>A on transcript NM_032043.3 (MANE Select); coding-DNA position 1610, T replaced by A.
Protein change: p.Leu537His; replaces leucine 537 with histidine.
Molecular consequence: missense variant.
Genome position (GRCh38, 1-based): chr17:61,784,288, A>T on the plus strand (T>A on the coding strand, the complement: BRIP1 is on the minus strand). VCF-style: chr17-61784288-A-T. GRCh37 (hg19) VCF-style: chr17-59861649-A-T.
Other names: short protein forms L537H.
Identifiers: ClinVar variation 631134 (VCV000631134.7), dbSNP rs1567816751, ClinGen allele CA400480937.

ClinVar aggregate classification (germline): Conflicting classifications of pathogenicity. Review status: criteria provided, conflicting classifications (1 of 4 stars). 3 submissions from 3 submitters: Likely pathogenic (1); Uncertain significance (2). Last evaluated 2024-10-10.

Conditions:
Hereditary cancer-predisposing syndrome. Also called: Hereditary Cancer Syndrome; Neoplastic Syndromes, Hereditary; Tumor predisposition; Hereditary neoplastic syndrome. Identifiers: Orphanet 140162, MedGen C0027672, MeSH D009386, MONDO:0015356.
Familial cancer of breast. Also called: BREAST CANCER, FAMILIAL; hereditary breast carcinoma; Hereditary breast cancer. Identifiers: Orphanet 227535, MedGen C0346153, MONDO:0016419, OMIM 114480. Disease mechanism: loss of function.
Fanconi anemia complementation group J. Also called: BRIP1-Related Fanconi Anemia. Identifiers: Orphanet 84, MedGen C1836860, MONDO:0012187, OMIM 609054.
Ovarian cancer. Also called: OVARIAN CANCER, SOMATIC. Identifiers: Orphanet 213500, MedGen C1140680, MONDO:0008170, OMIM 167000.

Submissions (3):

Labcorp Genetics (formerly Invitae), Labcorp
Classification: Uncertain significance for Familial cancer of breast; Fanconi anemia complementation group J. Last evaluated: 2024-10-10. Review status: criteria provided, single submitter. Criteria: Invitae Variant Classification Sherloc (09022015). Collection method: clinical testing. Allele origin: germline.
Comment: This sequence change replaces leucine, which is neutral and non-polar, with histidine, which is basic and polar, at codon 537 of the BRIP1 protein (p.Leu537His). This variant is not present in population databases (gnomAD no frequency). This variant has not been reported in the literature in individuals affected with BRIP1-related conditions. ClinVar contains an entry for this variant (Variation ID: 631134). Invitae Evidence Modeling of protein sequence and biophysical properties (such as structural, functional, and spatial information, amino acid conservation, physicochemical variation, residue mobility, and thermodynamic stability) indicates that this missense variant is expected to disrupt BRIP1 protein function with a positive predictive value of 95%. In summary, the available evidence is currently insufficient to determine the role of this variant in disease. Therefore, it has been classified as a Variant of Uncertain Significance.

Laboratory of Molecular Epidemiology of Birth Defects, West China Second University Hospital, Sichuan University
Classification: Likely pathogenic for Ovarian cancer. Last evaluated: 2022-01-01. Review status: criteria provided, single submitter. Criteria: ACMG Guidelines, 2015. Collection method: clinical testing. Allele origin: germline. Affected: yes.

Color Diagnostics, LLC DBA Color Health
Classification: Uncertain significance for Hereditary cancer-predisposing syndrome. Last evaluated: 2019-03-06. Review status: criteria provided, single submitter. Criteria: ACMG Guidelines, 2015. Collection method: clinical testing. Allele origin: germline.